The following is an entry in ClinVar:

NM_000264.5(PTCH1):c.1168G>C (p.Asp390His)

Gene: PTCH1 (patched 1; minus strand). Cytogenetic location: 9q22.32.
Variant type: single nucleotide variant.
Coding change: c.1168G>C on transcript NM_000264.5 (MANE Select); coding-DNA position 1168, G replaced by C.
Protein change: p.Asp390His; replaces aspartic acid 390 with histidine.
Molecular consequence: missense variant. On other transcripts: non-coding transcript variant (1).
Genome position (GRCh38, 1-based): chr9:95,479,047, C>G on the plus strand (G>C on the coding strand, the complement: PTCH1 is on the minus strand). VCF-style: chr9-95479047-C-G. GRCh37 (hg19) VCF-style: chr9-98241329-C-G.
Other names: c.970G>C, p.Asp324His (NM_001083602.3); c.1165G>C, p.Asp389His (NM_001083603.3); c.715G>C, p.Asp239His (NM_001083604.3, NM_001083605.3, NM_001083606.3 and 1 more transcripts); c.1168G>C, p.Asp390His (NM_001354918.2); short protein forms D390H, D389H, D324H, D239H.
Identifiers: ClinVar variation 950405 (VCV000950405.11), dbSNP rs1588605451, ClinGen allele CA374119306.

ClinVar aggregate classification (germline): Uncertain significance. Review status: criteria provided, multiple submitters, no conflicts (2 of 4 stars). 2 submissions from 2 submitters: Uncertain significance (2). Last evaluated 2025-01-10.

Conditions:
Gorlin syndrome. Also called: Basal cell nevus syndrome; Nevoid Basal Cell Carcinoma Syndrome. Identifiers: Orphanet 377, MedGen C0004779, MONDO:0007187.

Submissions (2):

Molecular Pathology, Peter Maccallum Cancer Centre
Classification: Uncertain significance for Gorlin syndrome. Last evaluated: 2025-01-10. Review status: criteria provided, single submitter. Criteria: ACMG Guidelines, 2015. Collection method: clinical testing. Allele origin: germline. Inheritance: Autosomal dominant inheritance.

Labcorp Genetics (formerly Invitae), Labcorp
Classification: Uncertain significance for Gorlin syndrome. Last evaluated: 2019-06-29. Review status: criteria provided, single submitter. Criteria: Invitae Variant Classification Sherloc (09022015). Collection method: clinical testing. Allele origin: germline.
Comment: Algorithms developed to predict the effect of missense changes on protein structure and function are either unavailable or do not agree on the potential impact of this missense change (SIFT: "Tolerated"; PolyPhen-2: "Possibly Damaging"; Align-GVGD: "Class C0"). In summary, the available evidence is currently insufficient to determine the role of this variant in disease. Therefore, it has been classified as a Variant of Uncertain Significance. This variant has not been reported in the literature in individuals with PTCH1-related conditions. This variant is not present in population databases (ExAC no frequency). This sequence change replaces aspartic acid with histidine at codon 390 of the PTCH1 protein (p.Asp390His). The aspartic acid residue is moderately conserved and there is a moderate physicochemical difference between aspartic acid and histidine.